The following is an entry in ClinVar:

NM_003579.4(RAD54L):c.730G>T (p.Asp244Tyr)

Gene: RAD54L (RAD54 like; plus strand). Cytogenetic location: 1p34.1.
Variant type: single nucleotide variant.
Coding change: c.730G>T on transcript NM_003579.4 (MANE Select); coding-DNA position 730, G replaced by T.
Protein change: p.Asp244Tyr; replaces aspartic acid 244 with tyrosine.
Molecular consequence: missense variant.
Genome position (GRCh38, 1-based): chr1:46,260,979, G>T. VCF-style: chr1-46260979-G-T. GRCh37 (hg19) VCF-style: chr1-46726651-G-T.
Other names: c.730G>T, p.Asp244Tyr (NM_001142548.2); c.190G>T, p.Asp64Tyr (NM_001370766.1); short protein forms D244Y, D64Y.
Identifiers: ClinVar variation 1758255 (VCV001758255.2), dbSNP rs1237327590, ClinGen allele CA340187767.

ClinVar aggregate classification (germline): Uncertain significance (1 of 4 stars; one submission).

Allele frequency attached by ClinVar (database versions not stated): TOPMed below 0.00001; gnomAD 0.00001.
gnomAD v4.1: 1 of 1,613,944 alleles (0.000062%); highest among the groups gnomAD compares: African/African-American, 0.0013%; no homozygotes.

Submission:

Ambry Genetics
Classification: Uncertain significance. Last evaluated: 2023-11-08. Review status: criteria provided, single submitter. Criteria: Ambry Variant Classification Scheme 2023. Collection method: clinical testing. Allele origin: germline.
Comment: The p.D244Y variant (also known as c.730G>T), located in coding exon 7 of the RAD54L gene, results from a G to T substitution at nucleotide position 730. The aspartic acid at codon 244 is replaced by tyrosine, an amino acid with highly dissimilar properties. This amino acid position is conserved. In addition, this alteration is predicted to be deleterious by in silico analysis. Since supporting evidence is limited at this time, the clinical significance of this alteration remains unclear.